The following is an entry in ClinVar:

ClinVar aggregate classification (germline): Likely pathogenic (1 of 4 stars; one submission).

Conditions:
Dilated cardiomyopathy 1G (CMD1G). Identifiers: Orphanet 154, MedGen C1858763, MONDO:0011400, OMIM 604145.

Submission:

Victorian Clinical Genetics Services, Murdoch Childrens Research Institute
Classification: Likely pathogenic for Dilated cardiomyopathy 1G. Last evaluated: 2023-12-21. Review status: criteria provided, single submitter. Criteria: ACMG Guidelines, 2015. Collection method: clinical testing. Allele origin: germline. Inheritance: Autosomal dominant inheritance.
Comment: Based on the classification scheme VCGS_Germline_v1.3.4, this variant is classified as Likely pathogenic. Following criteria are met: 0102 - Loss of function is known mechanism of disease in this gene. In addition, dominant-negative is also a suggested mechanism. (PMID: 25589632). (I) 0108 - This gene is associated with both recessive and dominant disease (OMIM). (I) 0112 - The condition associated with this gene has incomplete penetrance. Variants in this gene that result in a premature termination codon (PTC) are known to have reduced penetrance in DCM (PMID: 25589632). (I) 0201 - Variant is predicted to cause nonsense-mediated decay (NMD) and loss of protein (premature termination codon is located at least 54 nucleotides upstream of the final exon-exon junction). (SP) 0219 - This variant is non-coding in an alternative transcript. This variant is non-coding in the skeletal muscle transcript. However, it is coding in the main cardiac and meta transcripts (UCSC, Cardiodb). (I) 0251 - This variant is heterozygous. (I) 0301 - Variant is absent from gnomAD (both v2 and v3). (SP) 0600 - Variant is located in the annotated I-band and the exon has a PSI score of 100 (PMID: 25589632). (I) 0702 - Other NMD-predicted variants comparable to the one identified in this case have strong previous evidence for pathogenicity (ClinVar). (SP) 0807 - This variant has no previous evidence of pathogenicity. (I) 0903 - This variant has limited evidence for segregation with disease. (SP) 1007 - No published functional evidence has been identified for this variant. (I) 1208 - Inheritance information for this variant is not currently available in this individual. (I) Legend: (SP) - Supporting pathogenic, (I) - Information, (SB) - Supporting benign

Literature cited by the submitters: PubMed 25589632.

NM_001267550.2(TTN):c.14089dup (p.Arg4697fs)

Gene: TTN (titin; minus strand). Cytogenetic location: 2q31.2.
Variant type: Duplication.
Coding change: c.14089dup on transcript NM_001267550.2 (MANE Select); coding-DNA position 14089, one base duplicated (A; older notation c.14089dupA).
Protein change: p.Arg4697fs; shifts the reading frame from arginine 4697.
Molecular consequence: frameshift variant. On other transcripts: intron variant (1).
Genome position (GRCh38, 1-based): chr2:178,739,144, T duplicated on the plus strand (A on the coding strand, the reverse complement: TTN is on the minus strand); the first of 5 consecutive T bases (chr2:178,739,144-178,739,148); duplicating any one gives the same sequence. VCF-style (leftmost placement, unchanged base first): chr2-178739143-C-CT. GRCh37 (hg19) VCF-style: chr2-179603870-C-CT.
Other names: c.13138dup, p.Arg4380fs (NM_001256850.1); c.13000dup, p.Arg4334fs (NM_003319.4); c.13375dup, p.Arg4459fs (NM_133432.3); c.13576dup, p.Arg4526fs (NM_133437.4); c.10361-784dup (NM_133378.4); c.14089dupA (NM_001267550.1); short protein forms R4334fs, R4380fs, R4459fs, R4526fs, R4697fs.
Identifiers: ClinVar variation 3376934 (VCV003376934.1).
Genomic context (GRCh38, chr2:178,739,143, plus strand): 5'-AAATCATTACAATCCAGTGAATGTTAGCATTTGATCTATTTTATCCTTAAAATCCAACCT[C>CT]TTTTTACTACAGTGAGTTTGGCTGAAGTTGCTGTTTTTCCGCTGTCATTCAAGGCCTCAC-3'